The following is an entry in ClinVar:

ClinVar aggregate classification (germline): Uncertain significance (1 of 4 stars; one submission).

Conditions:
Wilson disease (WND). Also called: Wilson's disease. Identifiers: Orphanet 905, MedGen C0019202, MONDO:0010200, OMIM 277900. Disease mechanism: loss of function.

Submission:

Labcorp Genetics (formerly Invitae), Labcorp
Classification: Uncertain significance for Wilson disease. Last evaluated: 2021-10-28. Review status: criteria provided, single submitter. Criteria: Invitae Variant Classification Sherloc (09022015). Collection method: clinical testing. Allele origin: germline.
Comment: In summary, the available evidence is currently insufficient to determine the role of this variant in disease. Therefore, it has been classified as a Variant of Uncertain Significance. Algorithms developed to predict the effect of missense changes on protein structure and function are either unavailable or do not agree on the potential impact of this missense change (SIFT: "Tolerated"; PolyPhen-2: "Probably Damaging"; Align-GVGD: "Class C0"). This variant has not been reported in the literature in individuals affected with ATP7B-related conditions. This variant is not present in population databases (gnomAD no frequency). This sequence change replaces valine, which is neutral and non-polar, with phenylalanine, which is neutral and non-polar, at codon 1036 of the ATP7B protein (p.Val1036Phe).

NM_000053.4(ATP7B):c.3106G>T (p.Val1036Phe)

Gene: ATP7B (ATPase copper transporting beta; minus strand). Cytogenetic location: 13q14.3.
Variant type: single nucleotide variant.
Coding change: c.3106G>T on transcript NM_000053.4 (MANE Select); coding-DNA position 3106, G replaced by T.
Protein change: p.Val1036Phe; replaces valine 1036 with phenylalanine.
Molecular consequence: missense variant.
Genome position (GRCh38, 1-based): chr13:51,944,246, C>A on the plus strand (G>T on the coding strand, the complement: ATP7B is on the minus strand). VCF-style: chr13-51944246-C-A. GRCh37 (hg19) VCF-style: chr13-52518382-C-A.
Other names: c.2485G>T, p.Val829Phe (NM_001005918.3); c.2773G>T, p.Val925Phe (NM_001243182.2); c.2872G>T, p.Val958Phe (NM_001330578.2); c.2854G>T, p.Val952Phe (NM_001330579.2); short protein forms V1036F, V952F, V958F, V925F, V829F.
Identifiers: ClinVar variation 1485273 (VCV001485273.6), dbSNP rs761147984, ClinGen allele CA388030411.